The following is an entry in ClinVar:

ClinVar aggregate classification (germline): Uncertain significance (1 of 4 stars; one submission).

Allele frequency attached by ClinVar (database versions not stated): gnomAD 0.00001; gnomAD exomes 0.00002 and below 0.00001; ExAC 0.00003; TOPMed below 0.00001.
gnomAD v4.1: 7 of 1,614,032 alleles (0.00043%); highest among the groups gnomAD compares: East Asian, 0.013%; no homozygotes.

Submission:

Labcorp Genetics (formerly Invitae), Labcorp
Classification: Uncertain significance. Last evaluated: 2024-12-16. Review status: criteria provided, single submitter. Criteria: Invitae Variant Classification Sherloc (09022015). Collection method: clinical testing. Allele origin: germline.
Comment: This sequence change replaces alanine, which is neutral and non-polar, with valine, which is neutral and non-polar, at codon 554 of the CNNM4 protein (p.Ala554Val). This variant is present in population databases (rs761645419, gnomAD 0.02%). This variant has not been reported in the literature in individuals affected with CNNM4-related conditions. ClinVar contains an entry for this variant (Variation ID: 1058772). Invitae Evidence Modeling of protein sequence and biophysical properties (such as structural, functional, and spatial information, amino acid conservation, physicochemical variation, residue mobility, and thermodynamic stability) indicates that this missense variant is not expected to disrupt CNNM4 protein function with a negative predictive value of 80%. In summary, the available evidence is currently insufficient to determine the role of this variant in disease. Therefore, it has been classified as a Variant of Uncertain Significance.

NM_020184.4(CNNM4):c.1661C>T (p.Ala554Val)

Gene: CNNM4 (cyclin and CBS domain divalent metal cation transport mediator 4; plus strand). Cytogenetic location: 2q11.2.
Variant type: single nucleotide variant.
Coding change: c.1661C>T on transcript NM_020184.4 (MANE Select); coding-DNA position 1661, C replaced by T.
Protein change: p.Ala554Val; replaces alanine 554 with valine.
Molecular consequence: missense variant.
Genome position (GRCh38, 1-based): chr2:96,797,627, C>T. VCF-style: chr2-96797627-C-T. GRCh37 (hg19) VCF-style: chr2-97463364-C-T.
Other names: short protein forms A554V.
Identifiers: ClinVar variation 1058772 (VCV001058772.7), dbSNP rs761645419, ClinGen allele CA1783420.